The following is an entry in ClinVar:

ClinVar aggregate classification (germline): Uncertain significance (1 of 4 stars; one submission).

gnomAD v4.1: 8 of 1,614,010 alleles (0.0005%); highest among the groups gnomAD compares: Non-Finnish European, 0.00068%; no homozygotes.

Submission:

Labcorp Genetics (formerly Invitae), Labcorp
Classification: Uncertain significance. Last evaluated: 2023-06-04. Review status: criteria provided, single submitter. Criteria: Invitae Variant Classification Sherloc (09022015). Collection method: clinical testing. Allele origin: germline.
Comment: This sequence change replaces serine, which is neutral and polar, with cysteine, which is neutral and slightly polar, at codon 547 of the SLC17A8 protein (p.Ser547Cys). This variant is not present in population databases (gnomAD no frequency). This variant has not been reported in the literature in individuals affected with SLC17A8-related conditions. An algorithm developed to predict the effect of missense changes on protein structure and function (PolyPhen-2) suggests that this variant is likely to be disruptive. In summary, the available evidence is currently insufficient to determine the role of this variant in disease. Therefore, it has been classified as a Variant of Uncertain Significance.

NM_139319.3(SLC17A8):c.1640C>G (p.Ser547Cys)

Gene: SLC17A8 (solute carrier family 17 member 8; plus strand). Cytogenetic location: 12q23.1.
Variant type: single nucleotide variant.
Coding change: c.1640C>G on transcript NM_139319.3 (MANE Select); coding-DNA position 1640, C replaced by G.
Protein change: p.Ser547Cys; replaces serine 547 with cysteine.
Molecular consequence: missense variant.
Genome position (GRCh38, 1-based): chr12:100,420,029, C>G. VCF-style: chr12-100420029-C-G. GRCh37 (hg19) VCF-style: chr12-100813807-C-G.
Other names: c.1490C>G, p.Ser497Cys (NM_001145288.2); short protein forms S547C, S497C.
Identifiers: ClinVar variation 2989816 (VCV002989816.3), dbSNP rs1952937196, ClinGen allele CA386220654.